The following is an entry in ClinVar:

NM_020937.4(FANCM):c.1796A>G (p.Asn599Ser)

Gene: FANCM (FA complementation group M; plus strand). Cytogenetic location: 14q21.2.
Variant type: single nucleotide variant.
Coding change: c.1796A>G on transcript NM_020937.4 (MANE Select); coding-DNA position 1796, A replaced by G.
Protein change: p.Asn599Ser; replaces asparagine 599 with serine.
Molecular consequence: missense variant.
Genome position (GRCh38, 1-based): chr14:45,166,957, A>G. VCF-style: chr14-45166957-A-G. GRCh37 (hg19) VCF-style: chr14-45636160-A-G.
Other names: c.1718A>G, p.Asn573Ser (NM_001308133.2); c.1796A>G, p.Asn599Ser (NM_001308134.2); short protein forms N573S, N599S.
Identifiers: ClinVar variation 3848614 (VCV003848614.1).
Genomic context (GRCh38, chr14:45,166,957, plus strand): 5'-AATTGTTATTTATAAAAGTAATATAATCTGACATTTTCTATTTGTTTTTACAGATTTATA[A>G]TCAGAGTCAGTCCAACAAAAGAAGTATATATAAAGCTATTTCAAGTAACAGGCAGGTCCT-3'
Protein context (NP_065988.1, residues 589-609): LSEGREERIY[Asn599Ser]QSQSNKRSIY

ClinVar aggregate classification (germline): Uncertain significance (1 of 4 stars; one submission).

Conditions:
Inborn genetic diseases. Identifiers: MedGen C0950123, MeSH D030342.

gnomAD v4.1: 3 of 1,518,822 alleles (0.0002%); highest among the groups gnomAD compares: African/African-American, 0.0041%; no homozygotes.

Submission:

Ambry Genetics
Classification: Uncertain significance for Inborn genetic diseases. Last evaluated: 2025-01-13. Review status: criteria provided, single submitter. Criteria: Ambry Variant Classification Scheme 2023. Collection method: clinical testing. Allele origin: germline.
Comment: The p.N599S variant (also known as c.1796A>G), located in coding exon 11 of the FANCM gene, results from an A to G substitution at nucleotide position 1796. The asparagine at codon 599 is replaced by serine, an amino acid with highly similar properties. This amino acid position is conserved. In addition, this alteration is predicted to be tolerated by in silico analysis. Based on the available evidence, the clinical significance of this variant remains unclear.